The following is an entry in ClinVar:

ClinVar aggregate classification (germline): Likely benign (0 of 4 stars; one submission).

Conditions:
DNASE1L3-related disorder. Also called: DNASE1L3-related condition.

Submission:

PreventionGenetics, part of Exact Sciences
Classification: Likely benign for DNASE1L3-related condition. Last evaluated: 2023-09-01. Review status: no assertion criteria provided. Collection method: clinical testing. Allele origin: germline.
Comment: This variant is classified as likely benign based on ACMG/AMP sequence variant interpretation guidelines (Richards et al. 2015 PMID: 25741868, with internal and published modifications).

NM_004944.4(DNASE1L3):c.207C>T (p.Pro69=)

Gene: DNASE1L3 (deoxyribonuclease 1L3; minus strand). Cytogenetic location: 3p14.3.
Variant type: single nucleotide variant.
Coding change: c.207C>T on transcript NM_004944.4 (MANE Select); coding-DNA position 207, C replaced by T.
Protein change: p.Pro69=; no amino-acid change (proline 69 retained).
Molecular consequence: synonymous variant.
Genome position (GRCh38, 1-based): chr3:58,208,241, G>A on the plus strand (C>T on the coding strand, the complement: DNASE1L3 is on the minus strand). VCF-style: chr3-58208241-G-A. GRCh37 (hg19) VCF-style: chr3-58193968-G-A.
Other names: c.207C>T, p.Pro69= (NM_001256560.2).
Identifiers: ClinVar variation 3046571 (VCV003046571.2), dbSNP rs2107382004, ClinGen allele CA434042319.
Genomic context (GRCh38, chr3:58,208,241, plus strand): 5'-CCTTGAGCCCTAGAGGGCCCACCCTTCCCCATGTTACCTGTTCAGCTTCTCCATCAGTAT[G>A]GGGCAGATCCTGTTGTTGCTGTCCTTGATTTCCATCACGAGTATGATGTCACAGCGTTTG-3'
Protein context (NP_004935.1, residues 59-79): EIKDSNNRIC[Pro69=]ILMEKLNRNS